The following is an entry in ClinVar:

NM_001374736.1(DST):c.364C>T (p.Arg122Ter)

Gene: DST (dystonin; minus strand). Cytogenetic location: 6p12.1.
Variant type: single nucleotide variant.
Coding change: c.364C>T on transcript NM_001374736.1 (MANE Select); coding-DNA position 364, C replaced by T.
Protein change: p.Arg122Ter; replaces arginine 122 with a stop codon.
Molecular consequence: nonsense.
Genome position (GRCh38, 1-based): chr6:56,900,474, G>A on the plus strand (C>T on the coding strand, the complement: DST is on the minus strand). VCF-style: chr6-56900474-G-A. GRCh37 (hg19) VCF-style: chr6-56765272-G-A.
Other names: c.364C>T, p.Arg122Ter (NM_001144769.5, NM_001374722.1); c.391C>T, p.Arg131Ter (NM_001374734.1); short protein forms R122*, R131*.
Identifiers: ClinVar variation 1687490 (VCV001687490.1), dbSNP rs2127689099, ClinGen allele CA364619316.

ClinVar aggregate classification (germline): Pathogenic (1 of 4 stars; one submission).

Conditions:
Hereditary sensory and autonomic neuropathy type 6. Also called: HSAN VI; Neuropathy, hereditary sensory and autonomic, type VI. Identifiers: Orphanet 314381, MedGen C3539003, MONDO:0013839, OMIM 614653.

Submission:

3billion
Classification: Pathogenic for Hereditary sensory and autonomic neuropathy type 6. Last evaluated: 2022-05-22. Review status: criteria provided, single submitter. Criteria: ACMG Guidelines, 2015. Collection method: clinical testing. Allele origin: germline. Affected: yes. Observed: 1 homozygote.
Comment: The variant is not observed in the gnomAD v2.1.1 dataset. Stop-gained (nonsense): predicted to result in a loss or disruption of normal protein function through nonsense-mediated decay (NMD) or protein truncation. Multiple pathogenic variants are reported downstream of the variant. Therefore, this variant is classified as pathogenic according to the recommendation of ACMG/AMP guideline.